The following is an entry in ClinVar:

ClinVar aggregate classification (germline): Likely benign (1 of 4 stars; one submission).

Submission:

CeGaT Center for Human Genetics Tuebingen
Classification: Likely benign. Last evaluated: 2024-11-01. Review status: criteria provided, single submitter. Criteria: CeGaT Center For Human Genetics Tuebingen Variant Classification Criteria Version 2. Collection method: clinical testing. Allele origin: germline. Affected: yes. Observed: 1 variant allele.
Comment: HRNR: BP4, BP7

NM_001009931.3(HRNR):c.7995C>T (p.Ser2665=)

Genes: CCDST (cervical cancer associated DHX9 suppressive transcript; plus strand), HRNR (hornerin; minus strand). Cytogenetic location: 1q21.3.
Variant type: single nucleotide variant.
Coding change: c.7995C>T on transcript NM_001009931.3 (MANE Select); coding-DNA position 7995, C replaced by T.
Protein change: p.Ser2665=; no amino-acid change (serine 2665 retained).
Molecular consequence: synonymous variant.
Genome position (GRCh38, 1-based): chr1:152,213,634, G>A on the plus strand (C>T on the coding strand, the complement: HRNR is on the minus strand). VCF-style: chr1-152213634-G-A. GRCh37 (hg19) VCF-style: chr1-152186110-G-A.
Identifiers: ClinVar variation 3388710 (VCV003388710.14).